The following is an entry in ClinVar:

NM_017763.6(RNF43):c.451-7C>T

Gene: RNF43 (ring finger protein 43; minus strand). Cytogenetic location: 17q22.
Variant type: single nucleotide variant.
Coding change: c.451-7C>T on transcript NM_017763.6 (MANE Select); 7 bases into the intron before coding-DNA position 451, C replaced by T.
Molecular consequence: intron variant.
Genome position (GRCh38, 1-based): chr17:58,363,413, G>A on the plus strand (C>T on the coding strand, the complement: RNF43 is on the minus strand). VCF-style: chr17-58363413-G-A. GRCh37 (hg19) VCF-style: chr17-56440774-G-A.
Other names: c.451-7C>T (NM_001438822.1, NM_001305544.3, NM_001438820.1 and 1 more transcripts); c.70-7C>T (NM_001305545.2, NM_001437987.1).
Identifiers: ClinVar variation 4875759 (VCV004875759.1).

ClinVar aggregate classification (germline): Likely benign (1 of 4 stars; one submission).

Conditions:
Sessile serrated polyposis cancer syndrome (SSPCS). Identifiers: Orphanet 157798, MedGen C4310714, MONDO:0014919, OMIM 617108.

gnomAD v4.1: 2 of 1,614,116 alleles (0.00012%); highest among the groups gnomAD compares: African/African-American, 0.0013%; no homozygotes.

Submission:

Myriad Genetics, Inc.
Classification: Likely benign for Sessile serrated polyposis cancer syndrome. Last evaluated: 2026-06-26. Review status: criteria provided, single submitter. Criteria: Myriad Autosomal Dominant, Autosomal Recessive and X-Linked Classification Criteria (2023). Collection method: clinical testing. Allele origin: unknown.
Comment: This variant is considered likely benign. This variant is intronic and is not expected to impact mRNA splicing.